The following is an entry in ClinVar:

ClinVar aggregate classification (germline): Benign/Likely benign. Review status: criteria provided, multiple submitters, no conflicts (2 of 4 stars). 3 submissions from 3 submitters: Benign (1); Likely benign (2). Last evaluated 2025-02-17.

Conditions:
Lynch syndrome 4 (LYNCH4). Also called: Colorectal cancer, hereditary nonpolyposis, type 4; Hereditary non-polyposis colorectal cancer, type 4. Identifiers: Orphanet 144, MedGen C1838333, MONDO:0013699, OMIM 614337. Disease mechanism: loss of function.
Mismatch repair cancer syndrome 4. Identifiers: MedGen C5436817, MONDO:0030843, OMIM 619101.
Hereditary nonpolyposis colorectal neoplasms. Identifiers: MedGen C0009405, MeSH D003123.

Allele frequency attached by ClinVar (database versions not stated): ExAC 0.00001; 1000 Genomes Project 30x 0.00016; 1000 Genomes Project 0.00020.

Submissions (3):

Labcorp Genetics (formerly Invitae), Labcorp
Classification: Likely benign for Hereditary nonpolyposis colorectal neoplasms. Last evaluated: 2025-02-17. Review status: criteria provided, single submitter. Criteria: Invitae Variant Classification Sherloc (09022015). Collection method: clinical testing. Allele origin: germline.

Myriad Genetics, Inc.
Classification: Benign for Lynch syndrome 4. Last evaluated: 2025-01-27. Review status: criteria provided, single submitter. Criteria: Myriad Autosomal Dominant, Autosomal Recessive and X-Linked Classification Criteria (2023). Collection method: clinical testing. Allele origin: unknown.
Comment: This variant is considered benign. This variant is a silent/synonymous amino acid change and it is not expected to impact splicing.

Department of Pathology and Laboratory Medicine, Sinai Health System
Classification: Likely benign for Mismatch repair cancer syndrome 4. Last evaluated: 2024-06-26. Review status: criteria provided, single submitter. Criteria: ACMG Guidelines, 2015. Collection method: clinical testing. Allele origin: germline. Affected: yes.

NM_000535.7(PMS2):c.462G>A (p.Gly154=)

Gene: PMS2 (PMS1 homolog 2, mismatch repair system component; minus strand). Cytogenetic location: 7p22.1.
Variant type: single nucleotide variant.
Coding change: c.462G>A on transcript NM_000535.7 (MANE Select); coding-DNA position 462, G replaced by A.
Protein change: p.Gly154=; no amino-acid change (glycine 154 retained).
Molecular consequence: synonymous variant. On other transcripts: 5 prime UTR variant (2), non-coding transcript variant (1), intron variant (1).
Genome position (GRCh38, 1-based): chr7:6,002,528, C>T on the plus strand (G>A on the coding strand, the complement: PMS2 is on the minus strand). VCF-style: chr7-6002528-C-T. GRCh37 (hg19) VCF-style: chr7-6042159-C-T.
Other names: c.57G>A, p.Gly19= (NM_001018040.1, NM_001322003.2, NM_001322004.2 and 25 more transcripts); c.462G>A, p.Gly154= (NM_001322006.2, NM_001322014.2, NM_001406869.1 and 8 more transcripts); c.144G>A, p.Gly48= (NM_001322007.2, NM_001322008.2, NM_001406876.1 and 4 more transcripts); c.-423G>A (NM_001322011.2, NM_001322012.2); c.153G>A, p.Gly51= (NM_001322015.2, NM_001406875.1, NM_001406877.1 and 6 more transcripts); c.648G>A, p.Gly216= (NM_001406866.1); c.486G>A, p.Gly162= (NM_001406868.1); c.250+1444G>A (NM_001406885.1).
Identifiers: ClinVar variation 2875607 (VCV002875607.5), dbSNP rs201433654, ClinGen allele CA049901.